The following is an entry in ClinVar:

ClinVar aggregate classification (germline): Uncertain significance (1 of 4 stars; one submission).

Conditions:
Holoprosencephaly 5 (HPE5). Identifiers: Orphanet 2162, MedGen C1864827, MONDO:0012322, OMIM 609637.

Allele frequency attached by ClinVar (database versions not stated): gnomAD 0.00001; gnomAD exomes 0.00001; TOPMed 0.00003.

Submission:

Labcorp Genetics (formerly Invitae), Labcorp
Classification: Uncertain significance for Holoprosencephaly 5. Last evaluated: 2024-11-06. Review status: criteria provided, single submitter. Criteria: Invitae Variant Classification Sherloc (09022015). Collection method: clinical testing. Allele origin: germline.
Comment: This sequence change replaces glycine, which is neutral and non-polar, with aspartic acid, which is acidic and polar, at codon 185 of the ZIC2 protein (p.Gly185Asp). This variant is present in population databases (no rsID available, gnomAD 0.02%). This variant has not been reported in the literature in individuals affected with ZIC2-related conditions. ClinVar contains an entry for this variant (Variation ID: 2725829). Invitae Evidence Modeling of protein sequence and biophysical properties (such as structural, functional, and spatial information, amino acid conservation, physicochemical variation, residue mobility, and thermodynamic stability) indicates that this missense variant is not expected to disrupt ZIC2 protein function with a negative predictive value of 80%. In summary, the available evidence is currently insufficient to determine the role of this variant in disease. Therefore, it has been classified as a Variant of Uncertain Significance.

NM_007129.5(ZIC2):c.554G>A (p.Gly185Asp)

Gene: ZIC2 (Zic family zinc finger 2; plus strand). Cytogenetic location: 13q32.3.
Variant type: single nucleotide variant.
Coding change: c.554G>A on transcript NM_007129.5 (MANE Select); coding-DNA position 554, G replaced by A.
Protein change: p.Gly185Asp; replaces glycine 185 with aspartic acid.
Molecular consequence: missense variant.
Genome position (GRCh38, 1-based): chr13:99,982,618, G>A. VCF-style: chr13-99982618-G-A. GRCh37 (hg19) VCF-style: chr13-100634872-G-A.
Other names: short protein forms G185D.
Identifiers: ClinVar variation 2725829 (VCV002725829.3), dbSNP rs993854446, ClinGen allele CA255394554.
Genomic context (GRCh38, chr13:99,982,618, plus strand): 5'-AGCACGGGCCGCACGGCTCGCAGAATGTGCTCAACGGGCAGATGCGCCTCGGGCTGCCCG[G>A]CGAGGTGTTCGGGCGCTCGGAGCAATACCGCCAGGTGGCCAGCCCGCGGACCGACCCCTA-3'
Protein context (NP_009060.2, residues 175-195): LNGQMRLGLP[Gly185Asp]EVFGRSEQYR